The following is an entry in ClinVar:

NM_001370658.1(BTD):c.1007C>T (p.Pro336Leu)

Gene: BTD (biotinidase; plus strand). Cytogenetic location: 3p25.1.
Variant type: single nucleotide variant.
Coding change: c.1007C>T on transcript NM_001370658.1 (MANE Select); coding-DNA position 1007, C replaced by T.
Protein change: p.Pro336Leu; replaces proline 336 with leucine.
Molecular consequence: missense variant. On other transcripts: intron variant (6).
Genome position (GRCh38, 1-based): chr3:15,644,923, C>T. VCF-style: chr3-15644923-C-T. GRCh37 (hg19) VCF-style: chr3-15686430-C-T.
Other names: c.1007C>T, p.Pro336Leu (NM_001281723.4, NM_001281724.3, NM_001281725.3 and 18 more transcripts); c.399+2866C>T (NM_001370753.1, NM_001407400.1, NM_001407401.1 and 3 more transcripts); short protein forms P336L.
Identifiers: ClinVar variation 4773272 (VCV004773272.1).

ClinVar aggregate classification (germline): Uncertain significance (1 of 4 stars; one submission).

Conditions:
Biotinidase deficiency. Also called: BTD deficiency; Late-onset biotin-responsive multiple carboxylase deficiency; Biotin deficiency. Identifiers: Orphanet 79241, MedGen C0220754, MONDO:0009665, OMIM 253260.

gnomAD v4.1: 1 of 1,614,102 alleles (0.000062%); highest among the groups gnomAD compares: Non-Finnish European, 0.000085%; no homozygotes.

Submission:

Labcorp Genetics (formerly Invitae), Labcorp
Classification: Uncertain significance for Biotinidase deficiency. Last evaluated: 2025-09-15. Review status: criteria provided, single submitter. Criteria: Invitae Variant Classification Sherloc (09022015). Collection method: clinical testing. Allele origin: germline.
Comment: This sequence change replaces proline, which is neutral and non-polar, with leucine, which is neutral and non-polar, at codon 356 of the BTD protein (p.Pro356Leu). This variant is not present in population databases (gnomAD no frequency). This variant has not been reported in the literature in individuals affected with BTD-related conditions. Invitae Evidence Modeling of protein sequence and biophysical properties (such as structural, functional, and spatial information, amino acid conservation, physicochemical variation, residue mobility, and thermodynamic stability) has been performed for this missense variant. However, the output from this modeling did not meet the statistical confidence thresholds required to predict the impact of this variant on BTD protein function. In summary, the available evidence is currently insufficient to determine the role of this variant in disease. Therefore, it has been classified as a Variant of Uncertain Significance.